The following is an entry in ClinVar:

ClinVar aggregate classification (germline): Uncertain significance (1 of 4 stars; one submission).

Conditions:
Inborn genetic diseases. Identifiers: MedGen C0950123, MeSH D030342.

Submission:

Ambry Genetics
Classification: Uncertain significance for Inborn genetic diseases. Last evaluated: 2022-09-25. Review status: criteria provided, single submitter. Criteria: Ambry Variant Classification Scheme 2023. Collection method: clinical testing. Allele origin: germline.
Comment: The p.R1731K variant (also known as c.5192G>A), located in coding exon 36 of the LRRK2 gene, results from a G to A substitution at nucleotide position 5192. The arginine at codon 1731 is replaced by lysine, an amino acid with highly similar properties. This amino acid position is conserved. In addition, the in silico prediction for this alteration is inconclusive. Since supporting evidence is limited at this time, the clinical significance of this alteration remains unclear.

NM_198578.4(LRRK2):c.5192G>A (p.Arg1731Lys)

Gene: LRRK2 (leucine rich repeat kinase 2; plus strand). Cytogenetic location: 12q12.
Variant type: single nucleotide variant.
Coding change: c.5192G>A on transcript NM_198578.4 (MANE Select); coding-DNA position 5192, G replaced by A.
Protein change: p.Arg1731Lys; replaces arginine 1731 with lysine.
Molecular consequence: missense variant.
Genome position (GRCh38, 1-based): chr12:40,322,056, G>A. VCF-style: chr12-40322056-G-A. GRCh37 (hg19) VCF-style: chr12-40715858-G-A.
Other names: short protein forms R1731K.
Identifiers: ClinVar variation 1745924 (VCV001745924.2), dbSNP rs1945418709, ClinGen allele CA384420197.
Genomic context (GRCh38, chr12:40,322,056, plus strand): 5'-CTTAGGAAGCAGTTAATAATTAATGGCTCCATTTTTTAGAACGAGCACTTCGCCCAAACA[G>A]AATGTATTGGCGACAAGGCATTTACTTAAATTGGTCTCCTGAAGCTTATTGTCTGGTAGG-3'
Protein context (NP_940980.4, residues 1721-1741): SGRERALRPN[Arg1731Lys]MYWRQGIYLN